The following is an entry in ClinVar:

ClinVar aggregate classification (germline): Uncertain significance. Review status: criteria provided, single submitter (1 of 4 stars). 2 submissions from 2 submitters: Uncertain significance (1). 1 of the submissions does not count toward it. Last evaluated 2017-05-02.

Conditions:
GPBAR1-related disorder. Also called: GPBAR1-related condition.

Allele frequency attached by ClinVar (database versions not stated): gnomAD exomes 0.00014 and 0.00025; ExAC 0.00029; 1000 Genomes Project 30x 0.00031; 1000 Genomes Project 0.00040; gnomAD 0.00056 and 0.00057; TOPMed 0.00062; ESP Exome Variant Server 0.00102.

Submissions (2):

Eurofins Ntd Llc (ga)
Classification: Uncertain significance. Last evaluated: 2017-05-02. Review status: criteria provided, single submitter. Criteria: EGL Classification Definitions 2015. Collection method: clinical testing. Allele origin: germline. Observed: 3 variant alleles, 3 heterozygotes.

PreventionGenetics, part of Exact Sciences
Classification: Likely benign for GPBAR1-related condition. Last evaluated: 2024-03-14. Review status: no assertion criteria provided. Collection method: clinical testing. Allele origin: germline. Not counted in ClinVar's aggregate classification.
Comment: This variant is classified as likely benign based on ACMG/AMP sequence variant interpretation guidelines (Richards et al. 2015 PMID: 25741868, with internal and published modifications).

NM_170699.3(GPBAR1):c.329G>A (p.Arg110His)

Gene: GPBAR1 (G protein-coupled bile acid receptor 1; plus strand). Cytogenetic location: 2q35.
Variant type: single nucleotide variant.
Coding change: c.329G>A on transcript NM_170699.3 (MANE Select); coding-DNA position 329, G replaced by A.
Protein change: p.Arg110His; replaces arginine 110 with histidine.
Molecular consequence: missense variant.
Genome position (GRCh38, 1-based): chr2:218,263,053, G>A. VCF-style: chr2-218263053-G-A. GRCh37 (hg19) VCF-style: chr2-219127776-G-A.
Other names: c.329G>A, p.Arg110His (NM_001077191.2, NM_001077194.2, NM_001321950.2); c.329G>A (NM_001321950.1); short protein forms R110H.
Identifiers: ClinVar variation 501725 (VCV000501725.6), dbSNP rs186702546, ClinGen allele CA2102560.